The following is an entry in ClinVar:

ClinVar aggregate classification (germline): Pathogenic (1 of 4 stars; one submission).

Conditions:
Walker-Warburg congenital muscular dystrophy. Also called: Muscular dystrophy-dystroglycanopathy, type A; Walker-Warburg syndrome. Identifiers: Orphanet 899, MedGen C0265221, MONDO:0000171.

Submission:

Labcorp Genetics (formerly Invitae), Labcorp
Classification: Pathogenic for Walker-Warburg congenital muscular dystrophy. Last evaluated: 2016-05-04. Review status: criteria provided, single submitter. Criteria: Invitae Variant Classification Sherloc (09022015). Collection method: clinical testing. Allele origin: germline.
Comment: This variant is a gross deletion of the genomic region encompassing at least a portion of the gene up to and including part of exon 4 of the FKRP gene, which includes the initiator codon. The 3' boundary is confined to nucleotide 564 of the FKRP gene. This is expected to lead to an absent or truncated protein. While this particular variant has not been reported in the literature, truncating variants in FKRP are known to be pathogenic (PMID: 12707425). For these reasons, this variant has been classified as Pathogenic.

Literature cited by the submitters: PubMed 12707425.

NC_000019.9:g.(?_47255735)_47259271del

Gene: FKRP (fukutin related protein; plus strand).
Variant type: Deletion.
Identifiers: ClinVar variation 1071722 (VCV001071722.2).